The following is an entry in ClinVar:

NM_024577.4(SH3TC2):c.3327+70C>T

Gene: SH3TC2 (SH3 domain and tetratricopeptide repeats 2; minus strand). Cytogenetic location: 5q32.
Variant type: single nucleotide variant.
Coding change: c.3327+70C>T on transcript NM_024577.4 (MANE Select); 70 bases into the intron after coding-DNA position 3327, C replaced by T.
Molecular consequence: intron variant.
Genome position (GRCh38, 1-based): chr5:149,010,200, G>A on the plus strand (C>T on the coding strand, the complement: SH3TC2 is on the minus strand). VCF-style: chr5-149010200-G-A. GRCh37 (hg19) VCF-style: chr5-148389763-G-A.
Identifiers: ClinVar variation 673389 (VCV000673389.1), dbSNP rs1025476, ClinGen allele CA11984454.

ClinVar aggregate classification (germline): Benign (1 of 4 stars; one submission).

Allele frequency attached by ClinVar (database versions not stated): 1000 Genomes Project 0.37760; 1000 Genomes Project 30x 0.37820; TOPMed 0.39167; gnomAD exomes 0.39735; gnomAD 0.40636 and 0.40788.
gnomAD v4.1: 641,477 of 1,610,164 alleles (40%); highest among the groups gnomAD compares: South Asian, 47%; 129,724 homozygotes.

Submission:

GeneDx
Classification: Benign. Last evaluated: 2018-06-14. Review status: criteria provided, single submitter. Criteria: GeneDx Variant Classification (06012015). Collection method: clinical testing. Allele origin: germline. Affected: yes.
Comment: This variant is considered likely benign or benign based on one or more of the following criteria: it is a conservative change, it occurs at a poorly conserved position in the protein, it is predicted to be benign by multiple in silico algorithms, and/or has population frequency not consistent with disease.